The following is an entry in ClinVar:

ClinVar aggregate classification (germline): Uncertain significance (1 of 4 stars; one submission).

Conditions:
Hereditary spastic paraplegia 50 (SPG50). Also called: Spastic paraplegia 50, autosomal recessive. Identifiers: Orphanet 280763, MedGen C2752008, MONDO:0013048, OMIM 612936.

Allele frequency attached by ClinVar (database versions not stated): ExAC 0.00001; TOPMed 0.00002; gnomAD 0.00003.
gnomAD v4.1: 35 of 1,613,694 alleles (0.0022%); highest among the groups gnomAD compares: Middle Eastern, 0.033%; no homozygotes.

Submission:

Labcorp Genetics (formerly Invitae), Labcorp
Classification: Uncertain significance for Hereditary spastic paraplegia 50. Last evaluated: 2022-11-22. Review status: criteria provided, single submitter. Criteria: Invitae Variant Classification Sherloc (09022015). Collection method: clinical testing. Allele origin: germline.
Comment: In summary, the available evidence is currently insufficient to determine the role of this variant in disease. Therefore, it has been classified as a Variant of Uncertain Significance. Advanced modeling of protein sequence and biophysical properties (such as structural, functional, and spatial information, amino acid conservation, physicochemical variation, residue mobility, and thermodynamic stability) performed at Invitae indicates that this missense variant is not expected to disrupt AP4M1 protein function. This sequence change replaces arginine, which is basic and polar, with histidine, which is basic and polar, at codon 362 of the AP4M1 protein (p.Arg362His). This variant is present in population databases (rs764352275, gnomAD 0.007%). This variant has not been reported in the literature in individuals affected with AP4M1-related conditions.

NM_004722.4(AP4M1):c.1085G>A (p.Arg362His)

Gene: AP4M1 (adaptor related protein complex 4 subunit mu 1; plus strand). Cytogenetic location: 7q22.1.
Variant type: single nucleotide variant.
Coding change: c.1085G>A on transcript NM_004722.4 (MANE Select); coding-DNA position 1085, G replaced by A.
Protein change: p.Arg362His; replaces arginine 362 with histidine.
Molecular consequence: missense variant.
Genome position (GRCh38, 1-based): chr7:100,106,462, G>A. VCF-style: chr7-100106462-G-A. GRCh37 (hg19) VCF-style: chr7-99704085-G-A.
Other names: c.1106G>A, p.Arg369His (NM_001363671.2); short protein forms R369H, R362H.
Identifiers: ClinVar variation 2171072 (VCV002171072.4), dbSNP rs764352275, ClinGen allele CA4374966.